The following is an entry in ClinVar:

NM_004738.5(VAPB):c.312dup (p.Val105fs)

Gene: VAPB (VAMP associated protein B and C; plus strand). Cytogenetic location: 20q13.32.
Variant type: Duplication.
Coding change: c.312dup on transcript NM_004738.5 (MANE Select); coding-DNA position 312, one base duplicated (A; older notation c.312dupA).
Protein change: p.Val105fs; shifts the reading frame from valine 105.
Molecular consequence: frameshift variant. On other transcripts: intron variant (1).
Genome position (GRCh38, 1-based): chr20:58,434,702, A duplicated. VCF-style (leftmost placement, unchanged base first): chr20-58434701-C-CA. GRCh37 (hg19) VCF-style: chr20-57009757-C-CA.
Other names: c.212-9375dup (NM_001195677.2); c.312dupA (NM_004738.4); short protein forms V105fs.
Identifiers: ClinVar variation 3349773 (VCV003349773.2).

ClinVar aggregate classification (germline): Uncertain significance. Review status: criteria provided, single submitter (1 of 4 stars). 2 submissions from 2 submitters: Uncertain significance (1). 1 of the submissions does not count toward it. Last evaluated 2024-09-14.

Conditions:
VAPB-related disorder. Also called: VAPB-related condition.

Submissions (2):

GeneDx
Classification: Uncertain significance. Last evaluated: 2024-09-14. Review status: criteria provided, single submitter. Criteria: GeneDx Variant Classification Process June 2021. Collection method: clinical testing. Allele origin: germline. Affected: yes.
Comment: Not observed at significant frequency in large population cohorts (gnomAD); Has not been previously published as pathogenic or benign to our knowledge; Frameshift variant predicted to result in protein truncation or nonsense mediated decay in a gene for which loss-of-function is not an established mechanism of disease

PreventionGenetics, part of Exact Sciences
Classification: Uncertain significance for VAPB-related condition. Last evaluated: 2024-03-05. Review status: no assertion criteria provided. Collection method: clinical testing. Allele origin: germline. Not counted in ClinVar's aggregate classification.
Comment: The VAPB c.312dupA variant is predicted to result in a frameshift and premature protein termination (p.Val105Serfs*16). To our knowledge, this variant has not been reported in the literature or in a large population database, indicating this variant is rare. Loss of function is not a conclusively established mechanism for VAPB-related disease and only a few protein truncating and splice variants have been reported to date (Human Gene Mutation Database). At this time, the clinical significance of this variant is uncertain due to the absence of conclusive functional and genetic evidence.